The following is an entry in ClinVar:

ClinVar aggregate classification (germline): Uncertain significance (1 of 4 stars; one submission).

Allele frequency attached by ClinVar (database versions not stated): gnomAD exomes below 0.00001.
gnomAD v4.1: 1 of 1,613,778 alleles (0.000062%); highest among the groups gnomAD compares: Non-Finnish European, 0.000085%; no homozygotes.

Submission:

Ambry Genetics
Classification: Uncertain significance. Last evaluated: 2021-09-18. Review status: criteria provided, single submitter. Criteria: Ambry Variant Classification Scheme 2023. Collection method: clinical testing. Allele origin: germline.
Comment: The p.G2507R variant (also known as c.7519G>C), located in coding exon 28 of the POLQ gene, results from a G to C substitution at nucleotide position 7519. The glycine at codon 2507 is replaced by arginine, an amino acid with dissimilar properties. This amino acid position is conserved. In addition, this alteration is predicted to be tolerated by in silico analysis. Since supporting evidence is limited at this time, the clinical significance of this alteration remains unclear.

NM_199420.4(POLQ):c.7519G>C (p.Gly2507Arg)

Gene: POLQ (DNA polymerase theta; minus strand). Cytogenetic location: 3q13.33.
Variant type: single nucleotide variant.
Coding change: c.7519G>C on transcript NM_199420.4 (MANE Select); coding-DNA position 7519, G replaced by C.
Protein change: p.Gly2507Arg; replaces glycine 2507 with arginine.
Molecular consequence: missense variant.
Genome position (GRCh38, 1-based): chr3:121,436,146, C>G on the plus strand (G>C on the coding strand, the complement: POLQ is on the minus strand). VCF-style: chr3-121436146-C-G. GRCh37 (hg19) VCF-style: chr3-121154993-C-G.
Other names: short protein forms G2507R.
Identifiers: ClinVar variation 1759310 (VCV001759310.2), dbSNP rs2546747176, ClinGen allele CA354095626.